The following is an entry in ClinVar:

NM_001844.5(COL2A1):c.1528G>T (p.Gly510Cys)

Gene: COL2A1 (collagen type II alpha 1 chain; minus strand). Cytogenetic location: 12q13.11.
Variant type: single nucleotide variant.
Coding change: c.1528G>T on transcript NM_001844.5 (MANE Select); coding-DNA position 1528, G replaced by T.
Protein change: p.Gly510Cys; replaces glycine 510 with cysteine.
Molecular consequence: missense variant.
Genome position (GRCh38, 1-based): chr12:47,985,965, C>A on the plus strand (G>T on the coding strand, the complement: COL2A1 is on the minus strand). VCF-style: chr12-47985965-C-A. GRCh37 (hg19) VCF-style: chr12-48379748-C-A.
Other names: c.1321G>T, p.Gly441Cys (NM_033150.3); short protein forms G510C, G441C.
Identifiers: ClinVar variation 520838 (VCV000520838.5), dbSNP rs1555167157, ClinGen allele CA384552243.
Genomic context (GRCh38, chr12:47,985,965, plus strand): 5'-CACTCACCTTGGGACCTGCCAGACCATCTTGACCTGGGAAACCGCGGTTGCCGGGAGCAC[C>A]CTAAGGAGCCACAGGGAGGAGAGGCAGTGAGTGAGAACAGCCCCAACCCAGCCAGGCTCC-3'
Protein context (NP_001835.3, residues 500-520): VGPIGPPGER[Gly510Cys]APGNRGFPGQ

ClinVar aggregate classification (germline): Pathogenic. Review status: criteria provided, multiple submitters, no conflicts (2 of 4 stars). 2 submissions from 2 submitters: Pathogenic (2). Last evaluated 2026-07-02.

Conditions:
Spondyloepiphyseal dysplasia congenita (SEDC). Also called: SED CONGENITA; SPONDYLOEPIPHYSEAL DYSPLASIA, CONGENITAL TYPE. Identifiers: Orphanet 94068, MedGen C2745959, MONDO:0008471, OMIM 183900.
Inborn genetic diseases. Identifiers: MedGen C0950123, MeSH D030342.

Submissions (2):

Institute of Human Genetics, University of Leipzig Medical Center
Classification: Pathogenic for Spondyloepiphyseal dysplasia congenita. Last evaluated: 2026-07-02. Review status: criteria provided, single submitter. Criteria: ACMG Guidelines, 2015. Collection method: clinical testing. Allele origin: de novo. Inheritance: Autosomal dominant inheritance. Affected: yes.
Comment: Criteria applied: PM1_STR,PM2,PM5,PP2,PS2_MOD

Ambry Genetics
Classification: Pathogenic for Inborn genetic diseases. Last evaluated: 2015-11-04. Review status: criteria provided, single submitter. Criteria: Ambry exome assertion method (8-5-2015). Collection method: clinical testing. Allele origin: germline. Affected: yes. Observed: 1 variant allele.

Literature cited by the submitters: PubMed 7741714 (cited by Ambry Genetics); PubMed 25823796 (cited by Ambry Genetics).